The following is an entry in ClinVar:

NM_001367721.1(CASK):c.2233T>C (p.Leu745=)

Gene: CASK (calcium/calmodulin dependent serine protein kinase; minus strand). Cytogenetic location: Xp11.4.
Variant type: single nucleotide variant.
Coding change: c.2233T>C on transcript NM_001367721.1 (MANE Select); coding-DNA position 2233, T replaced by C.
Protein change: p.Leu745=; no amino-acid change (leucine 745 retained).
Molecular consequence: synonymous variant.
Genome position (GRCh38, 1-based): chrX:41,534,896, A>G on the plus strand (T>C on the coding strand, the complement: CASK is on the minus strand). VCF-style: chrX-41534896-A-G. GRCh37 (hg19) VCF-style: chrX-41394149-A-G.
Other names: c.2149T>C, p.Leu717= (NM_001126054.3); c.2146T>C, p.Leu716= (NM_001126055.3); c.2215T>C, p.Leu739= (NM_001410745.1); c.2218T>C, p.Leu740= (NM_003688.4).
Identifiers: ClinVar variation 2660348 (VCV002660348.24), dbSNP rs765755056, ClinGen allele CA10390058.
Genomic context (GRCh38, chrX:41,534,896, plus strand): 5'-GTTCACAAAATGTTTTGAAAGTGAGAATAAGCAACTCACTTACACAATCAAACTTACCTA[A>G]TAAGACTAGTGTTTTCCTCTTGAATGCTGGCAGTTTTACTACTTCTTCATATGTGACAAG-3'
Protein context (NP_001354650.1, residues 735-755): PAFKRKTLVL[Leu745=]GAHGVGRRHI

ClinVar aggregate classification (germline): Likely benign (1 of 4 stars; one submission).

Allele frequency attached by ClinVar (database versions not stated): ExAC 0.00001; gnomAD exomes 0.00001.
gnomAD v4.1: 6 of 1,184,211 alleles (0.00051%); highest among the groups gnomAD compares: Middle Eastern, 0.024%; no homozygotes.

Submission:

CeGaT Center for Human Genetics Tuebingen
Classification: Likely benign. Last evaluated: 2023-01-01. Review status: criteria provided, single submitter. Criteria: CeGaT Center For Human Genetics Tuebingen Variant Classification Criteria Version 2. Collection method: clinical testing. Allele origin: germline. Affected: yes. Observed: 1 variant allele.
Comment: CASK: BP4, BP7